The following is an entry in ClinVar:

NM_139057.4(ADAMTS17):c.813G>T (p.Gln271His)

Gene: ADAMTS17 (ADAM metallopeptidase with thrombospondin type 1 motif 17; minus strand). Cytogenetic location: 15q26.3.
Variant type: single nucleotide variant.
Coding change: c.813G>T on transcript NM_139057.4 (MANE Select); coding-DNA position 813, G replaced by T.
Protein change: p.Gln271His; replaces glutamine 271 with histidine.
Molecular consequence: missense variant.
Genome position (GRCh38, 1-based): chr15:100,262,412, C>A on the plus strand (G>T on the coding strand, the complement: ADAMTS17 is on the minus strand). VCF-style: chr15-100262412-C-A. GRCh37 (hg19) VCF-style: chr15-100802617-C-A.
Other names: short protein forms Q271H.
Identifiers: ClinVar variation 1358873 (VCV001358873.8), dbSNP rs780718522, ClinGen allele CA393940621.

ClinVar aggregate classification (germline): Uncertain significance (1 of 4 stars; one submission).

gnomAD v4.1: 18 of 1,613,498 alleles (0.0011%); highest among the groups gnomAD compares: Non-Finnish European, 0.0015%; no homozygotes.

Submission:

Labcorp Genetics (formerly Invitae), Labcorp
Classification: Uncertain significance. Last evaluated: 2021-06-10. Review status: criteria provided, single submitter. Criteria: Invitae Variant Classification Sherloc (09022015). Collection method: clinical testing. Allele origin: germline.
Comment: In summary, the available evidence is currently insufficient to determine the role of this variant in disease. Therefore, it has been classified as a Variant of Uncertain Significance. Algorithms developed to predict the effect of missense changes on protein structure and function output the following: SIFT: "Not Available"; PolyPhen-2: "Benign"; Align-GVGD: "Not Available". The histidine amino acid residue is found in multiple mammalian species, suggesting that this missense change does not adversely affect protein function. These predictions have not been confirmed by published functional studies and their clinical significance is uncertain. This variant has not been reported in the literature in individuals with ADAMTS17-related conditions. This variant is not present in population databases (ExAC no frequency). This sequence change replaces glutamine with histidine at codon 271 of the ADAMTS17 protein (p.Gln271His). The glutamine residue is moderately conserved and there is a small physicochemical difference between glutamine and histidine.